The following is an entry in ClinVar:

ClinVar aggregate classification (germline): Uncertain significance. Review status: criteria provided, multiple submitters, no conflicts (2 of 4 stars). 2 submissions from 2 submitters: Uncertain significance (2). Last evaluated 2025-12-31.

Allele frequency attached by ClinVar (database versions not stated): gnomAD exomes 0.00002; ExAC 0.00005; gnomAD 0.00003; TOPMed 0.00003.
gnomAD v4.1: 39 of 1,613,918 alleles (0.0024%); highest among the groups gnomAD compares: East Asian, 0.016%; no homozygotes.

Submissions (2):

Dasa
Classification: Uncertain significance. Last evaluated: 2025-12-31. Review status: criteria provided, single submitter. Criteria: DASA Assertion Criteria. Collection method: clinical testing. Allele origin: germline.
Comment: NM_001370785.2(LRRC7):c.3313G>A (p.Ala1105Thr) is a missense variant that results in the substitution of alanine with threonine. This variant is rare in population databases. Computational prediction algorithms are consistent with a benign effect. The currently available literature and clinical evidence are not sufficient to establish a definitive association between this variant and the reported condition. Therefore, this variant is classified as a variant of uncertain significance.

Ambry Genetics
Classification: Uncertain significance. Last evaluated: 2024-01-04. Review status: criteria provided, single submitter. Criteria: Ambry Variant Classification Scheme 2023. Collection method: clinical testing. Allele origin: germline.

NM_001370785.2(LRRC7):c.3313G>A (p.Ala1105Thr)

Genes: LRRC7 (leucine rich repeat containing 7; plus strand), LRRC7-AS1 (LRRC7 antisense RNA 1; minus strand). Cytogenetic location: 1p31.1.
Variant type: single nucleotide variant.
Coding change: c.3313G>A on transcript NM_001370785.2 (MANE Select); coding-DNA position 3313, G replaced by A.
Protein change: p.Ala1105Thr; replaces alanine 1105 with threonine.
Molecular consequence: missense variant.
Genome position (GRCh38, 1-based): chr1:70,039,137, G>A. VCF-style: chr1-70039137-G-A. GRCh37 (hg19) VCF-style: chr1-70504820-G-A.
Other names: NM_020794.2:c.3199G>A; c.3214G>A, p.Ala1072Thr (NM_001330635.3, NM_001366841.1); c.3316G>A, p.Ala1106Thr (NM_001350216.3); c.3313G>A, p.Ala1105Thr (NM_001366838.3); c.3154G>A, p.Ala1052Thr (NM_001366839.3); short protein forms A1105T, A1052T, A1106T, A1072T.
Identifiers: ClinVar variation 3120883 (VCV003120883.3), dbSNP rs758326913, ClinGen allele CA904091.